The following is an entry in ClinVar:

NM_017777.4(MKS1):c.351G>A (p.Ser117=)

Gene: MKS1 (MKS transition zone complex subunit 1; minus strand). Cytogenetic location: 17q22.
Variant type: single nucleotide variant.
Coding change: c.351G>A on transcript NM_017777.4 (MANE Select); coding-DNA position 351, G replaced by A.
Protein change: p.Ser117=; no amino-acid change (serine 117 retained).
Molecular consequence: synonymous variant. On other transcripts: 5 prime UTR variant (1).
Genome position (GRCh38, 1-based): chr17:58,216,154, C>T on the plus strand (G>A on the coding strand, the complement: MKS1 is on the minus strand). VCF-style: chr17-58216154-C-T. GRCh37 (hg19) VCF-style: chr17-56293515-C-T.
Other names: c.-161G>A (NM_001321268.2); c.351G>A, p.Ser117= (NM_001321269.2, NM_001330397.2).
Identifiers: ClinVar variation 700512 (VCV000700512.36), dbSNP rs370781583, ClinGen allele CA8669562.

ClinVar aggregate classification (germline): Likely benign. Review status: criteria provided, multiple submitters, no conflicts (2 of 4 stars). 3 submissions from 3 submitters: Likely benign (3). Last evaluated 2026-01-30.

Conditions:
Meckel-Gruber syndrome. Also called: Dysencephalia splachnocystica; GRUBER SYNDROME; DYSENCEPHALIA SPLANCHNOCYSTICA. Identifiers: Orphanet 564, MedGen C0265215, MONDO:0018921.
Joubert syndrome. Also called: Familial aplasia of the vermis; JOUBERT-BOLTSHAUSER SYNDROME. Identifiers: Orphanet 475, MedGen C5979921, MONDO:0018772.

Allele frequency attached by ClinVar (database versions not stated): ExAC 0.00003; ESP Exome Variant Server 0.00008; gnomAD 0.00016; TOPMed 0.00022.
gnomAD v4.1: 62 of 1,614,052 alleles (0.0038%); highest among the groups gnomAD compares: African/African-American, 0.051%; no homozygotes.

Submissions (3):

Labcorp Genetics (formerly Invitae), Labcorp
Classification: Likely benign for Joubert syndrome; Meckel-Gruber syndrome. Last evaluated: 2026-01-30. Review status: criteria provided, single submitter. Criteria: Invitae Variant Classification Sherloc (09022015). Collection method: clinical testing. Allele origin: germline.

CeGaT Center for Human Genetics Tuebingen
Classification: Likely benign. Last evaluated: 2024-04-01. Review status: criteria provided, single submitter. Criteria: CeGaT Center For Human Genetics Tuebingen Variant Classification Criteria Version 2. Collection method: clinical testing. Allele origin: germline. Affected: yes. Observed: 2 variant alleles.
Comment: MKS1: BP4, BP7

Blueprint Genetics
Classification: Likely benign. Last evaluated: 2021-10-18. Review status: criteria provided, single submitter. Criteria: ACMG Guidelines, 2015. Collection method: clinical testing. Allele origin: germline.